The following is an entry in ClinVar:

NM_000465.4(BARD1):c.1756A>G (p.Ser586Gly)

Gene: BARD1 (BRCA1 associated RING domain 1; minus strand). Cytogenetic location: 2q35.
Variant type: single nucleotide variant.
Coding change: c.1756A>G on transcript NM_000465.4 (MANE Select); coding-DNA position 1756, A replaced by G.
Protein change: p.Ser586Gly; replaces serine 586 with glycine.
Molecular consequence: missense variant. On other transcripts: non-coding transcript variant (3), intron variant (1).
Genome position (GRCh38, 1-based): chr2:214,745,776, T>C on the plus strand (A>G on the coding strand, the complement: BARD1 is on the minus strand). VCF-style: chr2-214745776-T-C. GRCh37 (hg19) VCF-style: chr2-215610500-T-C.
Other names: c.1699A>G, p.Ser567Gly (NM_001282543.2); c.403A>G, p.Ser135Gly (NM_001282545.2); c.346A>G, p.Ser116Gly (NM_001282548.2); c.365-15268A>G (NM_001282549.2); short protein forms S116G, S567G, S586G, S135G.
Identifiers: ClinVar variation 1779471 (VCV001779471.3), dbSNP rs1409774815, ClinGen allele CA350452889.
Genomic context (GRCh38, chr2:214,745,776, plus strand): 5'-CCTCACCTGTACTGTCAAACTCAGTATATTTTTTAGCCTTAAGAATTACTGCAAGCTCAC[T>C]GAGCATTTTCTGTTGTTCTGAAGACAGCCCACTGCCTATAAGTACAAGAGGTCCATCCCT-3'
Protein context (NP_000456.2, residues 576-596): GLSSEQQKML[Ser586Gly]ELAVILKAKK

ClinVar aggregate classification (germline): Uncertain significance (1 of 4 stars; one submission).

Conditions:
Hereditary cancer-predisposing syndrome. Also called: Neoplastic Syndromes, Hereditary; Tumor predisposition; Hereditary Cancer Syndrome; Hereditary neoplastic syndrome. Identifiers: Orphanet 140162, MedGen C0027672, MeSH D009386, MONDO:0015356.

Allele frequency attached by ClinVar (database versions not stated): gnomAD exomes below 0.00001; gnomAD 0.00001.
gnomAD v4.1: 2 of 1,614,004 alleles (0.00012%); highest among the groups gnomAD compares: African/African-American, 0.0027%; no homozygotes.

Submission:

Ambry Genetics
Classification: Uncertain significance for Hereditary cancer-predisposing syndrome. Last evaluated: 2024-08-30. Review status: criteria provided, single submitter. Criteria: Ambry Variant Classification Scheme 2023. Collection method: clinical testing. Allele origin: germline.
Comment: The p.S586G variant (also known as c.1756A>G), located in coding exon 8 of the BARD1 gene, results from an A to G substitution at nucleotide position 1756. The serine at codon 586 is replaced by glycine, an amino acid with similar properties. This amino acid position is not well conserved in available vertebrate species. In addition, this alteration is predicted to be tolerated by in silico analysis. Since supporting evidence is limited at this time, the clinical significance of this alteration remains unclear.